The following is an entry in ClinVar:

NM_000548.5(TSC2):c.5091C>T (p.Thr1697=)

Gene: TSC2 (TSC complex subunit 2; plus strand). Cytogenetic location: 16p13.3.
Variant type: single nucleotide variant.
Coding change: c.5091C>T on transcript NM_000548.5 (MANE Select); coding-DNA position 5091, C replaced by T.
Protein change: p.Thr1697=; no amino-acid change (threonine 1697 retained).
Molecular consequence: synonymous variant.
Genome position (GRCh38, 1-based): chr16:2,088,070, C>T. VCF-style: chr16-2088070-C-T. GRCh37 (hg19) VCF-style: chr16-2138071-C-T.
Other names: p.Thr1697=; c.4890C>T, p.Thr1630= (NM_001077183.3); c.5022C>T, p.Thr1674= (NM_001114382.3); c.4782C>T, p.Thr1594= (NM_001318827.2); c.4746C>T, p.Thr1582= (NM_001318829.2); c.4359C>T, p.Thr1453= (NM_001318831.2); c.4923C>T, p.Thr1641= (NM_001318832.2); c.4893C>T, p.Thr1631= (NM_001363528.2); and 2 more.
Identifiers: ClinVar variation 756905 (VCV000756905.20), dbSNP rs111675922, ClinGen allele CA053915.

ClinVar aggregate classification (germline): Benign/Likely benign. Review status: criteria provided, multiple submitters, no conflicts (2 of 4 stars). 6 submissions from 6 submitters: Benign (2); Likely benign (4). Last evaluated 2025-11-17.

Conditions:
Hereditary cancer-predisposing syndrome. Also called: Tumor predisposition; Hereditary neoplastic syndrome; Neoplastic Syndromes, Hereditary; Hereditary Cancer Syndrome. Identifiers: Orphanet 140162, MedGen C0027672, MeSH D009386, MONDO:0015356.
Tuberous sclerosis 2 (TSC2). Identifiers: Orphanet 805, MedGen C1860707, MONDO:0013199, OMIM 613254.

Allele frequency attached by ClinVar (database versions not stated): gnomAD exomes below 0.00001; TOPMed below 0.00001; ExAC 0.00001; gnomAD 0.00001.
gnomAD v4.1: 13 of 1,612,760 alleles (0.00081%); highest among the groups gnomAD compares: African/African-American, 0.008%; no homozygotes.

Submissions (6):

Labcorp Genetics (formerly Invitae), Labcorp
Classification: Likely benign for Tuberous sclerosis 2. Last evaluated: 2025-11-17. Review status: criteria provided, single submitter. Criteria: Invitae Variant Classification Sherloc (09022015). Collection method: clinical testing. Allele origin: germline.

Myriad Genetics, Inc.
Classification: Benign for Tuberous sclerosis 2. Last evaluated: 2025-06-06. Review status: criteria provided, single submitter. Criteria: Myriad Autosomal Dominant, Autosomal Recessive and X-Linked Classification Criteria (2023). Collection method: clinical testing. Allele origin: unknown.
Comment: This variant is considered benign. This variant is a silent/synonymous amino acid change and it is not expected to impact splicing.

Mayo Clinic Laboratories, Mayo Clinic
Classification: Likely benign. Last evaluated: 2025-04-10. Review status: criteria provided, single submitter. Criteria: ACMG Guidelines, 2015. Collection method: clinical testing. Allele origin: germline. Observed: 1 variant allele.
Comment: BP4, BP7

Blueprint Genetics
Classification: Likely benign. Last evaluated: 2023-12-28. Review status: criteria provided, single submitter. Criteria: ACMG Guidelines, 2015. Collection method: clinical testing. Allele origin: germline.

Genome-Nilou Lab
Classification: Benign for Tuberous sclerosis 2. Last evaluated: 2021-11-07. Review status: criteria provided, single submitter. Criteria: ACMG Guidelines, 2015. Collection method: clinical testing. Allele origin: germline. Affected: no.

Ambry Genetics
Classification: Likely benign for Hereditary cancer-predisposing syndrome. Last evaluated: 2019-08-19. Review status: criteria provided, single submitter. Criteria: Ambry Variant Classification Scheme 2023. Collection method: clinical testing. Allele origin: germline.